The following is an entry in ClinVar:

ClinVar aggregate classification (germline): Uncertain significance. Review status: criteria provided, multiple submitters, no conflicts (2 of 4 stars). 2 submissions from 2 submitters: Uncertain significance (2). Last evaluated 2022-12-23.

Conditions:
Cardiovascular phenotype. Identifiers: MedGen CN230736.

Allele frequency attached by ClinVar (database versions not stated): gnomAD exomes 0.00004; gnomAD 0.00005; TOPMed 0.00005; ExAC 0.00014.
gnomAD v4.1: 61 of 1,582,838 alleles (0.0039%); highest among the groups gnomAD compares: South Asian, 0.015%; 1 homozygote.

Submissions (2):

Labcorp Genetics (formerly Invitae), Labcorp
Classification: Uncertain significance. Last evaluated: 2022-12-23. Review status: criteria provided, single submitter. Criteria: Invitae Variant Classification Sherloc (09022015). Collection method: clinical testing. Allele origin: germline.
Comment: This variant is present in population databases (rs780234148, gnomAD 0.02%), and has an allele count higher than expected for a pathogenic variant. This variant has not been reported in the literature in individuals affected with EPHB4-related conditions. This sequence change replaces arginine, which is basic and polar, with glutamine, which is neutral and polar, at codon 483 of the EPHB4 protein (p.Arg483Gln). In summary, the available evidence is currently insufficient to determine the role of this variant in disease. Therefore, it has been classified as a Variant of Uncertain Significance. Algorithms developed to predict the effect of missense changes on protein structure and function are either unavailable or do not agree on the potential impact of this missense change (SIFT: "Deleterious"; PolyPhen-2: "Benign"; Align-GVGD: "Class C35"). ClinVar contains an entry for this variant (Variation ID: 1772840).

Ambry Genetics
Classification: Uncertain significance for Cardiovascular phenotype. Last evaluated: 2021-06-23. Review status: criteria provided, single submitter. Criteria: Ambry Variant Classification Scheme 2023. Collection method: clinical testing. Allele origin: germline.
Comment: The p.R483Q variant (also known as c.1448G>A), located in coding exon 8 of the EPHB4 gene, results from a G to A substitution at nucleotide position 1448. The arginine at codon 483 is replaced by glutamine, an amino acid with highly similar properties. This amino acid position is conserved. In addition, this alteration is predicted to be tolerated by in silico analysis. Since supporting evidence is limited at this time, the clinical significance of this alteration remains unclear.

NM_004444.5(EPHB4):c.1448G>A (p.Arg483Gln)

Gene: EPHB4 (EPH receptor B4; minus strand). Cytogenetic location: 7q22.1.
Variant type: single nucleotide variant.
Coding change: c.1448G>A on transcript NM_004444.5 (MANE Select); coding-DNA position 1448, G replaced by A.
Protein change: p.Arg483Gln; replaces arginine 483 with glutamine.
Molecular consequence: missense variant.
Genome position (GRCh38, 1-based): chr7:100,817,332, C>T on the plus strand (G>A on the coding strand, the complement: EPHB4 is on the minus strand). VCF-style: chr7-100817332-C-T. GRCh37 (hg19) VCF-style: chr7-100414954-C-T.
Other names: short protein forms R483Q.
Identifiers: ClinVar variation 1772840 (VCV001772840.5), dbSNP rs780234148, ClinGen allele CA4392974.